The following is an entry in ClinVar:

ClinVar aggregate classification (germline): Uncertain significance (1 of 4 stars; one submission).

Conditions:
Early Myoclonic Encephalopathy. Identifiers: MedGen C0270855.

Submission:

Labcorp Genetics (formerly Invitae), Labcorp
Classification: Uncertain significance for Early Myoclonic Encephalopathy. Last evaluated: 2022-08-20. Review status: criteria provided, single submitter. Criteria: Invitae Variant Classification Sherloc (09022015). Collection method: clinical testing. Allele origin: germline.
Comment: This sequence change replaces valine, which is neutral and non-polar, with alanine, which is neutral and non-polar, at codon 242 of the KCND2 protein (p.Val242Ala). In summary, the available evidence is currently insufficient to determine the role of this variant in disease. Therefore, it has been classified as a Variant of Uncertain Significance. Advanced modeling of protein sequence and biophysical properties (such as structural, functional, and spatial information, amino acid conservation, physicochemical variation, residue mobility, and thermodynamic stability) performed at Invitae indicates that this missense variant is not expected to disrupt KCND2 protein function. This variant has not been reported in the literature in individuals affected with KCND2-related conditions. This variant is not present in population databases (gnomAD no frequency).

NM_012281.3(KCND2):c.725T>C (p.Val242Ala)

Gene: KCND2 (potassium voltage-gated channel subfamily D member 2; plus strand). Cytogenetic location: 7q31.31.
Variant type: single nucleotide variant.
Coding change: c.725T>C on transcript NM_012281.3 (MANE Select); coding-DNA position 725, T replaced by C.
Protein change: p.Val242Ala; replaces valine 242 with alanine.
Molecular consequence: missense variant.
Genome position (GRCh38, 1-based): chr7:120,275,357, T>C. VCF-style: chr7-120275357-T-C. GRCh37 (hg19) VCF-style: chr7-119915411-T-C.
Other names: short protein forms V242A.
Identifiers: ClinVar variation 2155232 (VCV002155232.4), dbSNP rs2546907492, ClinGen allele CA369132251.
Genomic context (GRCh38, chr7:120,275,357, plus strand): 5'-GAGAGCGGTATGCTGTGGCCTTCTTCTGCTTGGACACGGCCTGCGTCATGATCTTCACAG[T>C]TGAGTATTTGCTTCGCCTGGCTGCAGCGCCTAGTCGTTACCGTTTTGTGCGTAGTGTCAT-3'
Protein context (NP_036413.1, residues 232-252): LDTACVMIFT[Val242Ala]EYLLRLAAAP